The following is an entry in ClinVar:

ClinVar aggregate classification (germline): Uncertain significance. Review status: criteria provided, multiple submitters, no conflicts (2 of 4 stars). 2 submissions from 2 submitters: Uncertain significance (2). Last evaluated 2024-05-11.

Conditions:
Fanconi anemia (FA). Also called: Fanconi's anemia. Identifiers: Orphanet 84, MedGen C0015625, MeSH D005199, MONDO:0019391.
Fanconi anemia complementation group B (FANCB). Also called: FANCB-Related Fanconi Anemia; FANCONI PANCYTOPENIA, TYPE 2. Identifiers: Orphanet 84, MedGen C1845292, MONDO:0010351, OMIM 300514.

Allele frequency attached by ClinVar (database versions not stated): ExAC 0.00001; gnomAD exomes 0.00001 and 0.00006; gnomAD 0.00002; TOPMed 0.00002.
gnomAD v4.1: 63 of 1,208,308 alleles (0.0052%); highest among the groups gnomAD compares: Non-Finnish European, 0.0069%; no homozygotes.

Submissions (2):

Labcorp Genetics (formerly Invitae), Labcorp
Classification: Uncertain significance for Fanconi anemia. Last evaluated: 2024-05-11. Review status: criteria provided, single submitter. Criteria: Invitae Variant Classification Sherloc (09022015). Collection method: clinical testing. Allele origin: germline.
Comment: This sequence change replaces histidine, which is basic and polar, with tyrosine, which is neutral and polar, at codon 568 of the FANCB protein (p.His568Tyr). This variant is present in population databases (rs763091316, gnomAD 0.001%). This variant has not been reported in the literature in individuals affected with FANCB-related conditions. ClinVar contains an entry for this variant (Variation ID: 850402). Advanced modeling of protein sequence and biophysical properties (such as structural, functional, and spatial information, amino acid conservation, physicochemical variation, residue mobility, and thermodynamic stability) performed at Invitae indicates that this missense variant is not expected to disrupt FANCB protein function with a negative predictive value of 80%. In summary, the available evidence is currently insufficient to determine the role of this variant in disease. Therefore, it has been classified as a Variant of Uncertain Significance.

Fulgent Genetics
Classification: Uncertain significance for Fanconi anemia complementation group B. Last evaluated: 2024-02-14. Review status: criteria provided, single submitter. Criteria: ACMG Guidelines, 2015. Collection method: clinical testing. Allele origin: germline.

NM_001018113.3(FANCB):c.1702C>T (p.His568Tyr)

Gene: FANCB (FA complementation group B; minus strand). Cytogenetic location: Xp22.2.
Variant type: single nucleotide variant.
Coding change: c.1702C>T on transcript NM_001018113.3 (MANE Select); coding-DNA position 1702, C replaced by T.
Protein change: p.His568Tyr; replaces histidine 568 with tyrosine.
Molecular consequence: missense variant.
Genome position (GRCh38, 1-based): chrX:14,845,081, G>A on the plus strand (C>T on the coding strand, the complement: FANCB is on the minus strand). VCF-style: chrX-14845081-G-A. GRCh37 (hg19) VCF-style: chrX-14863203-G-A.
Other names: c.1702C>T, p.His568Tyr (NM_001324162.2, NM_152633.4); short protein forms H568Y.
Identifiers: ClinVar variation 850402 (VCV000850402.8), dbSNP rs763091316, ClinGen allele CA10353013.